The following is an entry in ClinVar:

NM_015272.5(RPGRIP1L):c.1351-5T>G

Gene: RPGRIP1L (RPGRIP1 like; minus strand). Cytogenetic location: 16q12.2.
Variant type: single nucleotide variant.
Coding change: c.1351-5T>G on transcript NM_015272.5 (MANE Select); 5 bases into the intron before coding-DNA position 1351, T replaced by G.
Molecular consequence: intron variant.
Genome position (GRCh38, 1-based): chr16:53,658,469, A>C on the plus strand (T>G on the coding strand, the complement: RPGRIP1L is on the minus strand). VCF-style: chr16-53658469-A-C. GRCh37 (hg19) VCF-style: chr16-53692381-A-C.
Other names: c.1351-5T>G (NM_001127897.4, NM_001330538.2, NM_001308334.3).
Identifiers: ClinVar variation 3357418 (VCV003357418.1).

ClinVar aggregate classification (germline): Likely benign (0 of 4 stars; one submission).

Conditions:
RPGRIP1L-related disorder. Also called: RPGRIP1L-related condition; RPGRIP1L-related disorders. Identifiers: MedGen CN239416.

gnomAD v4.1: 4 of 1,602,778 alleles (0.00025%); highest among the groups gnomAD compares: Non-Finnish European, 0.00034%; no homozygotes.

Submission:

PreventionGenetics, part of Exact Sciences
Classification: Likely benign for RPGRIP1L-related condition. Last evaluated: 2023-10-20. Review status: no assertion criteria provided. Collection method: clinical testing. Allele origin: germline.
Comment: This variant is classified as likely benign based on ACMG/AMP sequence variant interpretation guidelines (Richards et al. 2015 PMID: 25741868, with internal and published modifications).